The following is an entry in ClinVar:

NM_001039591.3(USP9X):c.656G>T (p.Gly219Val)

Gene: USP9X (ubiquitin specific peptidase 9 X-linked; plus strand). Cytogenetic location: Xp11.4.
Variant type: single nucleotide variant.
Coding change: c.656G>T on transcript NM_001039591.3 (MANE Select); coding-DNA position 656, G replaced by T.
Protein change: p.Gly219Val; replaces glycine 219 with valine.
Molecular consequence: missense variant.
Genome position (GRCh38, 1-based): chrX:41,140,657, G>T. VCF-style: chrX-41140657-G-T. GRCh37 (hg19) VCF-style: chrX-40999910-G-T.
Other names: c.656G>T, p.Gly219Val (NM_001039590.3, NM_001410748.1, NM_001410749.1); c.656G>T (NM_001039590.2); short protein forms G219V.
Identifiers: ClinVar variation 2121480 (VCV002121480.5), dbSNP rs1382736016, ClinGen allele CA412765041.

ClinVar aggregate classification (germline): Uncertain significance. Review status: criteria provided, multiple submitters, no conflicts (2 of 4 stars). 2 submissions from 2 submitters: Uncertain significance (2). Last evaluated 2026-05-13.

Conditions:
Inborn genetic diseases. Identifiers: MedGen C0950123, MeSH D030342.

Allele frequency attached by ClinVar (database versions not stated): gnomAD exomes below 0.00001.

Submissions (2):

Ambry Genetics
Classification: Uncertain significance for Inborn genetic diseases. Last evaluated: 2026-05-13. Review status: criteria provided, single submitter. Criteria: Ambry Variant Classification Scheme 2023. Collection method: clinical testing. Allele origin: germline.

Labcorp Genetics (formerly Invitae), Labcorp
Classification: Uncertain significance. Last evaluated: 2023-01-05. Review status: criteria provided, single submitter. Criteria: Invitae Variant Classification Sherloc (09022015). Collection method: clinical testing. Allele origin: germline.
Comment: Algorithms developed to predict the effect of missense changes on protein structure and function are either unavailable or do not agree on the potential impact of this missense change (SIFT: "Deleterious"; PolyPhen-2: "Possibly Damaging"; Align-GVGD: "Class C0"). This variant has not been reported in the literature in individuals affected with USP9X-related conditions. This variant is present in population databases (no rsID available, gnomAD no frequency). This sequence change replaces glycine, which is neutral and non-polar, with valine, which is neutral and non-polar, at codon 219 of the USP9X protein (p.Gly219Val). In summary, the available evidence is currently insufficient to determine the role of this variant in disease. Therefore, it has been classified as a Variant of Uncertain Significance.